The following is an entry in ClinVar:

NM_001134407.3(GRIN2A):c.1999G>A (p.Asp667Asn)

Gene: GRIN2A (glutamate ionotropic receptor NMDA type subunit 2A; minus strand). Cytogenetic location: 16p13.2.
Variant type: single nucleotide variant.
Coding change: c.1999G>A on transcript NM_001134407.3 (MANE Select); coding-DNA position 1999, G replaced by A.
Protein change: p.Asp667Asn; replaces aspartic acid 667 with asparagine.
Molecular consequence: missense variant.
Genome position (GRCh38, 1-based): chr16:9,829,431, C>T on the plus strand (G>A on the coding strand, the complement: GRIN2A is on the minus strand). VCF-style: chr16-9829431-C-T. GRCh37 (hg19) VCF-style: chr16-9923288-C-T.
Other names: c.1999G>A, p.Asp667Asn (NM_000833.5, NM_001134408.2); short protein forms D667N.
Identifiers: ClinVar variation 1721808 (VCV001721808.6), dbSNP rs2141312157, ClinGen allele CA394799061.

ClinVar aggregate classification (germline): Uncertain significance (1 of 4 stars; one submission).

Conditions:
Landau-Kleffner syndrome (FESD). Also called: EPILEPSY, FOCAL, WITH SPEECH DISORDER AND WITH OR WITHOUT MENTAL RETARDATION; APHASIA, ACQUIRED, WITH EPILEPSY. Identifiers: Orphanet 1945, Orphanet 725, Orphanet 98818, MedGen C0282512, MONDO:0009509, OMIM 245570.

Submission:

Labcorp Genetics (formerly Invitae), Labcorp
Classification: Uncertain significance for Landau-Kleffner syndrome. Last evaluated: 2023-01-25. Review status: criteria provided, single submitter. Criteria: Invitae Variant Classification Sherloc (09022015). Collection method: clinical testing. Allele origin: germline.
Comment: Advanced modeling of protein sequence and biophysical properties (such as structural, functional, and spatial information, amino acid conservation, physicochemical variation, residue mobility, and thermodynamic stability) performed at Invitae indicates that this missense variant is expected to disrupt GRIN2A protein function. ClinVar contains an entry for this variant (Variation ID: 1721808). This variant has not been reported in the literature in individuals affected with GRIN2A-related conditions. This variant is not present in population databases (gnomAD no frequency). This sequence change replaces aspartic acid, which is acidic and polar, with asparagine, which is neutral and polar, at codon 667 of the GRIN2A protein (p.Asp667Asn). In summary, the available evidence is currently insufficient to determine the role of this variant in disease. Therefore, it has been classified as a Variant of Uncertain Significance.